The following is an entry in ClinVar:

ClinVar aggregate classification (germline): Uncertain significance (1 of 4 stars; one submission).

Submission:

Women's Health and Genetics/Laboratory Corporation of America, LabCorp
Classification: Uncertain significance. Last evaluated: 2024-12-03. Review status: criteria provided, single submitter. Criteria: LabCorp Variant Classification Summary - May 2015. Collection method: clinical testing. Allele origin: germline.
Comment: Variant summary: The variant involves the duplication of exons 21-39 in the TBCD gene. A presumed nomenclature of c.(1922+1_1923-1)_(*3452_?)dup has been designated for the purposes of this classification. It is assumed to be a tandem duplication in direct orientation (PMIDs: 25640679, 30054569). The exact breakpoint at the 3' end of this variant is unknown, therefore this duplication may extend downstream of the annotated region of the gene. As it duplicates the termination codon, its effect on the encoded protein is unknown. A large duplication which matches exons 21-39 in the TBCD gene and extends further downstream (Size: 141,600 bp) was found at a frequency of 8.6e-05 in 462876 control chromosomes, predominantly at a frequency of 0.00011 within the Non-Finnish European subpopulation in the gnomAD database (CNVs v4.1.0 dataset; zygosity not specified in this dataset). This frequency is not higher than estimated for a pathogenic variant in TBCD causing Encephalopathy, Early Onset, allowing no conclusion about variant significance. To our knowledge, no occurrence of c.(1922+1_1923-1)_(*3452_?)dup in individuals affected with Encephalopathy, Early Onset and no experimental evidence demonstrating its impact on protein function have been reported. No submitters have cited clinical-significance assessments for this variant to ClinVar. Based on the evidence outlined above, the variant was classified as uncertain significance.

NC_000017.10:g.(80863930_80865636)_(80903791_?)dup

Genes: B3GNTL1 (UDP-GlcNAc:betaGal beta-1,3-N-acetylglucosaminyltransferase like 1), TBCD (tubulin folding cofactor D). Cytogenetic location: 17q25.3.
Variant type: Duplication.
Identifiers: ClinVar variation 3768297 (VCV003768297.1).